The following is an entry in ClinVar:

ClinVar aggregate classification (germline): Likely benign. Review status: criteria provided, multiple submitters, no conflicts (2 of 4 stars). 3 submissions from 3 submitters: Likely benign (2). 1 of the submissions does not count toward it. Last evaluated 2024-12-17.

Conditions:
KMT2D-related disorder. Also called: KMT2D-Related Disorders.
Kabuki syndrome. Also called: NIIKAWA-KUROKI SYNDROME; Kabuki make-up syndrome. Identifiers: Orphanet 2322, MedGen C0796004, MONDO:0016512.

Allele frequency attached by ClinVar (database versions not stated): gnomAD 0.00001; TOPMed 0.00002; gnomAD exomes 0.00004.
gnomAD v4.1: 58 of 1,595,820 alleles (0.0036%); highest among the groups gnomAD compares: Non-Finnish European, 0.0046%; no homozygotes.

Submissions (3):

Labcorp Genetics (formerly Invitae), Labcorp
Classification: Likely benign for Kabuki syndrome. Last evaluated: 2024-12-17. Review status: criteria provided, single submitter. Criteria: Invitae Variant Classification Sherloc (09022015). Collection method: clinical testing. Allele origin: germline.

Blueprint Genetics
Classification: Likely benign. Last evaluated: 2018-04-23. Review status: criteria provided, single submitter. Criteria: ACMG Guidelines, 2015. Collection method: clinical testing. Allele origin: germline.

PreventionGenetics, part of Exact Sciences
Classification: Likely benign for KMT2D-related condition. Last evaluated: 2022-11-28. Review status: no assertion criteria provided. Collection method: clinical testing. Allele origin: germline. Not counted in ClinVar's aggregate classification.
Comment: This variant is classified as likely benign based on ACMG/AMP sequence variant interpretation guidelines (Richards et al. 2015 PMID: 25741868, with internal and published modifications).

NM_003482.4(KMT2D):c.693G>A (p.Val231=)

Gene: KMT2D (lysine methyltransferase 2D; minus strand). Cytogenetic location: 12q13.12.
Variant type: single nucleotide variant.
Coding change: c.693G>A on transcript NM_003482.4 (MANE Select); coding-DNA position 693, G replaced by A.
Protein change: p.Val231=; no amino-acid change (valine 231 retained).
Molecular consequence: synonymous variant.
Genome position (GRCh38, 1-based): chr12:49,053,622, C>T on the plus strand (G>A on the coding strand, the complement: KMT2D is on the minus strand). VCF-style: chr12-49053622-C-T. GRCh37 (hg19) VCF-style: chr12-49447405-C-T.
Identifiers: ClinVar variation 3048861 (VCV003048861.5), dbSNP rs1442209147, ClinGen allele CA479515108.